The following is an entry in ClinVar:

NM_058216.3(RAD51C):c.909A>T (p.Glu303Asp)

Gene: RAD51C (RAD51 paralog C; plus strand). Cytogenetic location: 17q22.
Variant type: single nucleotide variant.
Coding change: c.909A>T on transcript NM_058216.3 (MANE Select); coding-DNA position 909, A replaced by T.
Protein change: p.Glu303Asp; replaces glutamic acid 303 with aspartic acid.
Molecular consequence: missense variant. On other transcripts: non-coding transcript variant (1).
Genome position (GRCh38, 1-based): chr17:58,724,044, A>T. VCF-style: chr17-58724044-A-T. GRCh37 (hg19) VCF-style: chr17-56801405-A-T.
Other names: short protein forms E303D.
Identifiers: ClinVar variation 935624 (VCV000935624.9), dbSNP rs2049020875, ClinGen allele CA400361290.
Genomic context (GRCh38, chr17:58,724,044, plus strand): 5'-AAATGTATAACCAAGTCAGTAAGGCCATATACAGTTATTATGTTTTTTACTCTCAGGGGA[A>T]AGTTGGGGACATGCTGCTACAATACGGCTAATCTTTCATTGGGACCGAAAGCAAAGGTCA-3'
Protein context (NP_478123.1, residues 293-313): NQALLVPALG[Glu303Asp]SWGHAATIRL

ClinVar aggregate classification (germline): Uncertain significance (1 of 4 stars; one submission).

Conditions:
Fanconi anemia complementation group O. Also called: RAD51C-Related Fanconi Anemia. Identifiers: Orphanet 84, MedGen C3150653, MONDO:0013248, OMIM 613390.

Submission:

Labcorp Genetics (formerly Invitae), Labcorp
Classification: Uncertain significance for Fanconi anemia complementation group O. Last evaluated: 2019-09-29. Review status: criteria provided, single submitter. Criteria: Invitae Variant Classification Sherloc (09022015). Collection method: clinical testing. Allele origin: germline.
Comment: In summary, the available evidence is currently insufficient to determine the role of this variant in disease. Therefore, it has been classified as a Variant of Uncertain Significance. Algorithms developed to predict the effect of missense changes on protein structure and function (SIFT, PolyPhen-2, Align-GVGD) all suggest that this variant is likely to be tolerated, but these predictions have not been confirmed by published functional studies and their clinical significance is uncertain. This sequence change replaces glutamic acid with aspartic acid at codon 303 of the RAD51C protein (p.Glu303Asp). The glutamic acid residue is moderately conserved and there is a small physicochemical difference between glutamic acid and aspartic acid. This variant has not been reported in the literature in individuals with RAD51C-related conditions. This variant is not present in population databases (ExAC no frequency).